The following is an entry in ClinVar:

NM_001999.4(FBN2):c.3249G>C (p.Met1083Ile)

Gene: FBN2 (fibrillin 2; minus strand). Cytogenetic location: 5q23.3.
Variant type: single nucleotide variant.
Coding change: c.3249G>C on transcript NM_001999.4 (MANE Select); coding-DNA position 3249, G replaced by C.
Protein change: p.Met1083Ile; replaces methionine 1083 with isoleucine.
Molecular consequence: missense variant.
Genome position (GRCh38, 1-based): chr5:128,344,479, C>G on the plus strand (G>C on the coding strand, the complement: FBN2 is on the minus strand). VCF-style: chr5-128344479-C-G. GRCh37 (hg19) VCF-style: chr5-127680171-C-G.
Other names: short protein forms M1083I.
Identifiers: ClinVar variation 4810514 (VCV004810514.1).
Genomic context (GRCh38, chr5:128,344,479, plus strand): 5'-GCCACTATTGCAACGGCATTTGAAGCTTCCGATTGTATTTCTGCACTTCCCATAAGTGCA[C>G]ATCCCAGGAAATGCTTTGCATTCATTGATGTCTAAAAGCAGAATGAAGCCAGAATGTAGA-3'
Protein context (NP_001990.2, residues 1073-1093): DINECKAFPG[Met1083Ile]CTYGKCRNTI

ClinVar aggregate classification (germline): Uncertain significance (1 of 4 stars; one submission).

Conditions:
Congenital contractural arachnodactyly (CCA). Also called: BEALS SYNDROME; Arthrogryposis, distal, type 9; Beals-Hecht syndrome. Identifiers: Orphanet 115, MedGen C0220668, MONDO:0007363, OMIM 121050.

Submission:

Labcorp Genetics (formerly Invitae), Labcorp
Classification: Uncertain significance for Congenital contractural arachnodactyly. Last evaluated: 2025-08-31. Review status: criteria provided, single submitter. Criteria: Invitae Variant Classification Sherloc (09022015). Collection method: clinical testing. Allele origin: germline.
Comment: This sequence change replaces methionine, which is neutral and non-polar, with isoleucine, which is neutral and non-polar, at codon 1083 of the FBN2 protein (p.Met1083Ile). This variant is not present in population databases (gnomAD no frequency). This variant has not been reported in the literature in individuals affected with FBN2-related conditions. Invitae Evidence Modeling of protein sequence and biophysical properties (such as structural, functional, and spatial information, amino acid conservation, physicochemical variation, residue mobility, and thermodynamic stability) indicates that this missense variant is not expected to disrupt FBN2 protein function with a negative predictive value of 80%. In summary, the available evidence is currently insufficient to determine the role of this variant in disease. Therefore, it has been classified as a Variant of Uncertain Significance.